The following is an entry in ClinVar:

ClinVar aggregate classification (germline): Uncertain significance (1 of 4 stars; one submission).

Allele frequency attached by ClinVar (database versions not stated): gnomAD exomes 0.00001.
gnomAD v4.1: 7 of 1,612,940 alleles (0.00043%); highest among the groups gnomAD compares: Non-Finnish European, 0.00059%; no homozygotes.

Submission:

Labcorp Genetics (formerly Invitae), Labcorp
Classification: Uncertain significance. Last evaluated: 2022-06-02. Review status: criteria provided, single submitter. Criteria: Invitae Variant Classification Sherloc (09022015). Collection method: clinical testing. Allele origin: germline.
Comment: This sequence change replaces aspartic acid, which is acidic and polar, with glutamic acid, which is acidic and polar, at codon 1050 of the CDK5RAP2 protein (p.Asp1050Glu). This variant is not present in population databases (gnomAD no frequency). This variant has not been reported in the literature in individuals affected with CDK5RAP2-related conditions. Algorithms developed to predict the effect of missense changes on protein structure and function output the following: SIFT: "Tolerated"; PolyPhen-2: "Benign"; Align-GVGD: "Class C0". The glutamic acid amino acid residue is found in multiple mammalian species, which suggests that this missense change does not adversely affect protein function. In summary, the available evidence is currently insufficient to determine the role of this variant in disease. Therefore, it has been classified as a Variant of Uncertain Significance.

NM_018249.6(CDK5RAP2):c.3150C>G (p.Asp1050Glu)

Gene: CDK5RAP2 (CDK5 regulatory subunit associated protein 2; minus strand). Cytogenetic location: 9q33.2.
Variant type: single nucleotide variant.
Coding change: c.3150C>G on transcript NM_018249.6 (MANE Select); coding-DNA position 3150, C replaced by G.
Protein change: p.Asp1050Glu; replaces aspartic acid 1050 with glutamic acid.
Molecular consequence: missense variant. On other transcripts: non-coding transcript variant (5).
Genome position (GRCh38, 1-based): chr9:120,439,971, G>C on the plus strand (C>G on the coding strand, the complement: CDK5RAP2 is on the minus strand). VCF-style: chr9-120439971-G-C. GRCh37 (hg19) VCF-style: chr9-123202249-G-C.
Other names: c.3150C>G, p.Asp1050Glu (NM_001011649.3); c.2460C>G, p.Asp820Glu (NM_001272039.2); c.3051C>G, p.Asp1017Glu (NM_001410992.1); c.3054C>G, p.Asp1018Glu (NM_001410993.1); c.3147C>G, p.Asp1049Glu (NM_001410994.1); short protein forms D1017E, D1050E, D1049E, D820E, D1018E.
Identifiers: ClinVar variation 2002101 (VCV002002101.4), dbSNP rs2539037943, ClinGen allele CA374722176.